The following is an entry in ClinVar:

ClinVar aggregate classification (germline): Uncertain significance. Review status: criteria provided, multiple submitters, no conflicts (2 of 4 stars). 3 submissions from 3 submitters: Uncertain significance (3). Last evaluated 2025-12-24.

Conditions:
Hereditary cancer-predisposing syndrome. Also called: Neoplastic Syndromes, Hereditary; Hereditary Cancer Syndrome; Tumor predisposition; Hereditary neoplastic syndrome. Identifiers: Orphanet 140162, MedGen C0027672, MeSH D009386, MONDO:0015356.
Carney complex, type 1 (CNC1). Also called: CARNEY COMPLEX, TYPE I; CARNEY MYXOMA-ENDOCRINE COMPLEX. Identifiers: Orphanet 1359, MedGen C2607929, MONDO:0008057, OMIM 160980.

Submissions (3):

Labcorp Genetics (formerly Invitae), Labcorp
Classification: Uncertain significance for Carney complex, type 1. Last evaluated: 2025-12-24. Review status: criteria provided, single submitter. Criteria: Invitae Variant Classification Sherloc (09022015). Collection method: clinical testing. Allele origin: germline.
Comment: This sequence change replaces arginine, which is basic and polar, with glutamine, which is neutral and polar, at codon 16 of the PRKAR1A protein (p.Arg16Gln). This variant is not present in population databases (gnomAD no frequency). This variant has not been reported in the literature in individuals affected with PRKAR1A-related conditions. ClinVar contains an entry for this variant (Variation ID: 1038126). Invitae Evidence Modeling of protein sequence and biophysical properties (such as structural, functional, and spatial information, amino acid conservation, physicochemical variation, residue mobility, and thermodynamic stability) indicates that this missense variant is not expected to disrupt PRKAR1A protein function with a negative predictive value of 95%. In summary, the available evidence is currently insufficient to determine the role of this variant in disease. Therefore, it has been classified as a Variant of Uncertain Significance.

Ambry Genetics
Classification: Uncertain significance for Hereditary cancer-predisposing syndrome. Last evaluated: 2025-04-30. Review status: criteria provided, single submitter. Criteria: Ambry Variant Classification Scheme 2023. Collection method: clinical testing. Allele origin: germline.
Comment: The p.R16Q variant (also known as c.47G>A), located in coding exon 1 of the PRKAR1A gene, results from a G to A substitution at nucleotide position 47. The arginine at codon 16 is replaced by glutamine, an amino acid with highly similar properties. This amino acid position is well conserved in available vertebrate species. In addition, the in silico prediction for this alteration is inconclusive. Based on the available evidence, the clinical significance of this variant remains unclear.

Women's Health and Genetics/Laboratory Corporation of America, LabCorp
Classification: Uncertain significance. Last evaluated: 2022-11-21. Review status: criteria provided, single submitter. Criteria: LabCorp Variant Classification Summary - May 2015. Collection method: clinical testing. Allele origin: germline.
Comment: Variant summary: PRKAR1A c.47G>A (p.Arg16Gln) results in a conservative amino acid change in the encoded protein sequence. Four of five in-silico tools predict a benign effect of the variant on protein function. The variant was absent in 251456 control chromosomes (gnomAD). The available data on variant occurrences in the general population are insufficient to allow any conclusion about variant significance. To our knowledge, no occurrence of c.47G>A in individuals affected with Carney Complex or other PRKAR1A-related disorders and no experimental evidence demonstrating its impact on protein function have been reported. One clinical diagnostic laboratory has submitted a clinical-significance assessment for this variant to ClinVar after 2014 without evidence for independent evaluation and classified the variant as uncertain significance. Based on the evidence outlined above, the variant was classified as uncertain significance.

NM_002734.5(PRKAR1A):c.47G>A (p.Arg16Gln)

Gene: PRKAR1A (protein kinase cAMP-dependent type I regulatory subunit alpha; plus strand). Cytogenetic location: 17q24.2.
Variant type: single nucleotide variant.
Coding change: c.47G>A on transcript NM_002734.5 (MANE Select); coding-DNA position 47, G replaced by A.
Protein change: p.Arg16Gln; replaces arginine 16 with glutamine.
Molecular consequence: missense variant.
Genome position (GRCh38, 1-based): chr17:68,515,446, G>A. VCF-style: chr17-68515446-G-A. GRCh37 (hg19) VCF-style: chr17-66511587-G-A.
Other names: c.47G>A, p.Arg16Gln (NM_001276289.2, NM_001276290.1, NM_001278433.2 and 4 more transcripts); c.47G>A (NM_002734.3); short protein forms R16Q.
Identifiers: ClinVar variation 1038126 (VCV001038126.12), dbSNP rs2085401218, ClinGen allele CA400751852.